The following is an entry in ClinVar:

ClinVar aggregate classification (germline): Uncertain significance (1 of 4 stars; one submission).

Conditions:
Left ventricular noncompaction 8 (LVNC8). Identifiers: Orphanet 154, Orphanet 54260, MedGen C3809288, MONDO:0014152, OMIM 615373.

Allele frequency attached by ClinVar (database versions not stated): gnomAD exomes 0.00001; TOPMed 0.00001.
gnomAD v4.1: 7 of 1,611,242 alleles (0.00043%); highest among the groups gnomAD compares: South Asian, 0.0011%; no homozygotes.

Submission:

Labcorp Genetics (formerly Invitae), Labcorp
Classification: Uncertain significance for Left ventricular noncompaction 8. Last evaluated: 2025-07-06. Review status: criteria provided, single submitter. Criteria: Invitae Variant Classification Sherloc (09022015). Collection method: clinical testing. Allele origin: germline.
Comment: This sequence change replaces aspartic acid, which is acidic and polar, with asparagine, which is neutral and polar, at codon 370 of the PRDM16 protein (p.Asp370Asn). This variant is not present in population databases (gnomAD no frequency). This variant has not been reported in the literature in individuals affected with PRDM16-related conditions. ClinVar contains an entry for this variant (Variation ID: 2988847). An algorithm developed to predict the effect of missense changes on protein structure and function (PolyPhen-2) suggests that this variant is likely to be disruptive. In summary, the available evidence is currently insufficient to determine the role of this variant in disease. Therefore, it has been classified as a Variant of Uncertain Significance.

NM_022114.4(PRDM16):c.1108G>A (p.Asp370Asn)

Gene: PRDM16 (PR/SET domain 16; plus strand). Cytogenetic location: 1p36.32.
Variant type: single nucleotide variant.
Coding change: c.1108G>A on transcript NM_022114.4 (MANE Select); coding-DNA position 1108, G replaced by A.
Protein change: p.Asp370Asn; replaces aspartic acid 370 with asparagine.
Molecular consequence: missense variant.
Genome position (GRCh38, 1-based): chr1:3,405,570, G>A. VCF-style: chr1-3405570-G-A. GRCh37 (hg19) VCF-style: chr1-3322134-G-A.
Other names: c.1108G>A, p.Asp370Asn (NM_199454.3); short protein forms D370N.
Identifiers: ClinVar variation 2988847 (VCV002988847.3), dbSNP rs1001805709, ClinGen allele CA17019721.